The following is an entry in ClinVar:

NM_001379291.1(BRD4):c.544G>T (p.Gly182Trp)

Gene: BRD4 (bromodomain containing 4; minus strand). Cytogenetic location: 19p13.12.
Variant type: single nucleotide variant.
Coding change: c.544G>T on transcript NM_001379291.1 (MANE Select); coding-DNA position 544, G replaced by T.
Protein change: p.Gly182Trp; replaces glycine 182 with tryptophan.
Molecular consequence: missense variant.
Genome position (GRCh38, 1-based): chr19:15,267,431, C>A on the plus strand (G>T on the coding strand, the complement: BRD4 is on the minus strand). VCF-style: chr19-15267431-C-A. GRCh37 (hg19) VCF-style: chr19-15378242-C-A.
Other names: c.544G>T, p.Gly182Trp (NM_001330384.2, NM_001379292.1, NM_014299.3 and 1 more transcripts); short protein forms G182W.
Identifiers: ClinVar variation 1719125 (VCV001719125.5), dbSNP rs2512592407, ClinGen allele CA404485447.

ClinVar aggregate classification (germline): Uncertain significance (1 of 4 stars; one submission).

Allele frequency attached by ClinVar (database versions not stated): gnomAD exomes below 0.00001.
gnomAD v4.1: 1 of 1,614,048 alleles (0.000062%); highest among the groups gnomAD compares: Middle Eastern, 0.016%; no homozygotes.

Submission:

Labcorp Genetics (formerly Invitae), Labcorp
Classification: Uncertain significance. Last evaluated: 2022-09-09. Review status: criteria provided, single submitter. Criteria: Invitae Variant Classification Sherloc (09022015). Collection method: clinical testing. Allele origin: germline.
Comment: In summary, the available evidence is currently insufficient to determine the role of this variant in disease. Therefore, it has been classified as a Variant of Uncertain Significance. This variant has not been reported in the literature in individuals affected with BRD4-related conditions. Advanced modeling of protein sequence and biophysical properties (such as structural, functional, and spatial information, amino acid conservation, physicochemical variation, residue mobility, and thermodynamic stability) performed at Invitae indicates that this missense variant is not expected to disrupt BRD4 protein function. This sequence change replaces glycine, which is neutral and non-polar, with tryptophan, which is neutral and slightly polar, at codon 182 of the BRD4 protein (p.Gly182Trp). This variant is not present in population databases (gnomAD no frequency).